The following is an entry in ClinVar:

ClinVar aggregate classification (germline): Conflicting classifications of pathogenicity. Review status: criteria provided, conflicting classifications (1 of 4 stars). 4 submissions from 4 submitters: Uncertain significance (2); Likely benign (1). 1 of the submissions does not count toward it. Last evaluated 2024-12-01.

Conditions:
Hecht syndrome (DA7). Also called: Dutch-Kentucky syndrome; MOUTH, INABILITY TO OPEN COMPLETELY, AND SHORT FINGER-FLEXOR TENDONS. Identifiers: Orphanet 3377, MedGen C0265226, MONDO:0008016, OMIM 158300. Disease mechanism: gain of function.
MYH8-related disorder. Also called: MYH8-related condition.

Allele frequency attached by ClinVar (database versions not stated): TOPMed 0.00037; gnomAD 0.00044 and 0.00045; ESP Exome Variant Server 0.00046; gnomAD exomes 0.00059 and 0.00062; ExAC 0.00064.
gnomAD v4.1: 908 of 1,613,918 alleles (0.056%); highest among the groups gnomAD compares: Non-Finnish European, 0.066%; no homozygotes.

Submissions (4):

CeGaT Center for Human Genetics Tuebingen
Classification: Likely benign. Last evaluated: 2024-12-01. Review status: criteria provided, single submitter. Criteria: CeGaT Center For Human Genetics Tuebingen Variant Classification Criteria Version 2. Collection method: clinical testing. Allele origin: germline. Affected: yes. Observed: 1 variant allele.
Comment: MYH8: BS1

Ambry Genetics
Classification: Uncertain significance. Last evaluated: 2021-10-12. Review status: criteria provided, single submitter. Criteria: Ambry Variant Classification Scheme 2023. Collection method: clinical testing. Allele origin: germline.

Illumina Laboratory Services, Illumina
Classification: Uncertain significance for Hecht syndrome. Last evaluated: 2018-01-13. Review status: criteria provided, single submitter. Criteria: ICSL Variant Classification Criteria 13 December 2019. Collection method: clinical testing. Allele origin: germline.

PreventionGenetics, part of Exact Sciences
Classification: Likely benign for MYH8-related condition. Last evaluated: 2020-04-01. Review status: no assertion criteria provided. Collection method: clinical testing. Allele origin: germline. Not counted in ClinVar's aggregate classification.
Comment: This variant is classified as likely benign based on ACMG/AMP sequence variant interpretation guidelines (Richards et al. 2015 PMID: 25741868, with internal and published modifications).

NM_002472.3(MYH8):c.4147A>G (p.Ile1383Val)

Genes: MYH8 (myosin heavy chain 8; minus strand), MYHAS (myosin heavy chain gene cluster antisense RNA; plus strand). Cytogenetic location: 17p13.1.
Variant type: single nucleotide variant.
Coding change: c.4147A>G on transcript NM_002472.3 (MANE Select); coding-DNA position 4147, A replaced by G.
Protein change: p.Ile1383Val; replaces isoleucine 1383 with valine.
Molecular consequence: missense variant.
Genome position (GRCh38, 1-based): chr17:10,398,475, T>C on the plus strand (A>G on the coding strand, the complement: MYH8 is on the minus strand). VCF-style: chr17-10398475-T-C. GRCh37 (hg19) VCF-style: chr17-10301792-T-C.
Other names: short protein forms I1383V.
Identifiers: ClinVar variation 887563 (VCV000887563.21), dbSNP rs138607111, ClinGen allele CA8387346.